The following is an entry in ClinVar:

NM_152618.3(BBS12):c.503A>C (p.Asp168Ala)

Gene: BBS12 (Bardet-Biedl syndrome 12; plus strand). Cytogenetic location: 4q27.
Variant type: single nucleotide variant.
Coding change: c.503A>C on transcript NM_152618.3 (MANE Select); coding-DNA position 503, A replaced by C.
Protein change: p.Asp168Ala; replaces aspartic acid 168 with alanine.
Molecular consequence: missense variant.
Genome position (GRCh38, 1-based): chr4:122,742,395, A>C. VCF-style: chr4-122742395-A-C. GRCh37 (hg19) VCF-style: chr4-123663550-A-C.
Other names: c.503A>C, p.Asp168Ala (NM_001178007.2); short protein forms D168A.
Identifiers: ClinVar variation 3350039 (VCV003350039.1).

ClinVar aggregate classification (germline): Uncertain significance (0 of 4 stars; one submission).

Conditions:
BBS12-related disorder. Also called: BBS12-related condition.

Submission:

PreventionGenetics, part of Exact Sciences
Classification: Uncertain significance for BBS12-related condition. Last evaluated: 2023-11-21. Review status: no assertion criteria provided. Collection method: clinical testing. Allele origin: germline.
Comment: The BBS12 c.503A>C variant is predicted to result in the amino acid substitution p.Asp168Ala. To our knowledge, this variant has not been reported in the literature or in a large population database, indicating this variant is rare. At this time, the clinical significance of this variant is uncertain due to the absence of conclusive functional and genetic evidence.